The following is an entry in ClinVar:

ClinVar aggregate classification (germline): Pathogenic (1 of 4 stars; one submission).

Submission:

Labcorp Genetics (formerly Invitae), Labcorp
Classification: Pathogenic. Last evaluated: 2024-11-30. Review status: criteria provided, single submitter. Criteria: Invitae Variant Classification Sherloc (09022015). Collection method: clinical testing. Allele origin: germline.
Comment: This sequence change creates a premature translational stop signal (p.Phe521Serfs*35) in the LZTR1 gene. It is expected to result in an absent or disrupted protein product. Loss-of-function variants in LZTR1 are known to be pathogenic (PMID: 24362817, 25335493, 25480913, 25795793, 29469822, 30368668, 30442762, 30442766, 30481304, 30859559). This variant is not present in population databases (gnomAD no frequency). This variant has not been reported in the literature in individuals affected with LZTR1-related conditions. For these reasons, this variant has been classified as Pathogenic.

Literature cited by the submitters: PubMed 24362817; PubMed 25335493; PubMed 25480913; PubMed 25795793; PubMed 29469822; PubMed 30368668; PubMed 30442762; PubMed 30442766; PubMed 30481304; PubMed 30859559.

NM_006767.4(LZTR1):c.1557del (p.Phe521fs)

Gene: LZTR1 (leucine zipper like post translational regulator 1; plus strand). Cytogenetic location: 22q11.21.
Variant type: Deletion.
Coding change: c.1557del on transcript NM_006767.4 (MANE Select); coding-DNA position 1557, one base deleted (G; older notation c.1557delG).
Protein change: p.Phe521fs; shifts the reading frame from phenylalanine 521.
Molecular consequence: frameshift variant.
Genome position (GRCh38, 1-based): chr22:20,994,211, G deleted; the last of 2 consecutive G bases (chr22:20,994,210-20,994,211); deleting either gives the same sequence. VCF-style (leftmost placement, unchanged base first): chr22-20994209-CG-C. GRCh37 (hg19) VCF-style: chr22-21348498-CG-C.
Other names: short protein forms F521fs.
Identifiers: ClinVar variation 3726394 (VCV003726394.2).